The following is an entry in ClinVar:

NM_006721.4(ADK):c.647_651del (p.Ala216fs)

Genes: ADK (adenosine kinase; plus strand), LOC102723439 (uncharacterized LOC102723439; minus strand). Cytogenetic location: 10q22.2.
Variant type: Deletion.
Coding change: c.647_651del on transcript NM_006721.4 (MANE Select); coding-DNA positions 647 to 651, 5 bases deleted (CACCG; older notation c.647_651delCACCG).
Protein change: p.Ala216fs; shifts the reading frame from alanine 216.
Molecular consequence: frameshift variant. On other transcripts: intron variant (2).
Genome position (GRCh38, 1-based): chr10:74,525,347-74,525,351, CACCG deleted; deleting any 5 consecutive bases within chr10:74,525,346-74,525,351 gives the same sequence; the c. name uses the placement nearest the transcript's 3' end. VCF-style (leftmost placement, unchanged base first): chr10-74525345-TGCACC-T. GRCh37 (hg19) VCF-style: chr10-76285103-TGCACC-T.
Other names: c.596_600del, p.Ala199fs (NM_001123.4); c.542_546del, p.Ala181fs (NM_001202449.2); c.647_651del, p.Ala216fs (NM_001369123.1); c.556-63935_556-63931del (NM_001202450.2); c.505-63935_505-63931del (NM_001369124.1); short protein forms A181fs, A199fs, A216fs.
Identifiers: ClinVar variation 3775248 (VCV003775248.1).

ClinVar aggregate classification (germline): Pathogenic (1 of 4 stars; one submission).

Conditions:
Adenosine kinase deficiency. Also called: Hypermethioninemia due to adenosine kinase deficiency; MENTAL RETARDATION, AUTOSOMAL RECESSIVE 8. Identifiers: Orphanet 289290, Orphanet 88616, MedGen C4706555, MONDO:0100255, OMIM 614300.

Submission:

3billion
Classification: Pathogenic for Adenosine kinase deficiency. Last evaluated: 2023-06-04. Review status: criteria provided, single submitter. Criteria: ACMG Guidelines, 2015. Collection method: clinical testing. Allele origin: germline. Affected: yes.
Comment: The variant is not observed in the gnomAD v2.1.1 dataset. Predicted Consequence/Location: Frameshift: predicted to result in a loss or disruption of normal protein function through nonsense-mediated decay (NMD) or protein truncation. Multiple pathogenic variants are reported downstream of the variant. Therefore, this variant is classified as Pathogenic according to the recommendation of ACMG/AMP guideline.